The following is an entry in ClinVar:

ClinVar aggregate classification (germline): Uncertain significance. Review status: criteria provided, multiple submitters, no conflicts (2 of 4 stars). 4 submissions from 4 submitters: Uncertain significance (4). Last evaluated 2025-09-24.

Conditions:
von Willebrand disease type 1 (VWD1). Also called: VON WILLEBRAND DISEASE, TYPE I; VWD, TYPE 1. Identifiers: Orphanet 166078, Orphanet 903, MedGen C1264039, MONDO:0008668, OMIM 193400. Inheritance: autosomal recessive or autosomal dominant.
von Willebrand disease type 3 (VWD3). Also called: Type 3 Von Willebrand's disease; Type 3 VWD; Von Willebrand disease, severe form; V WD3; VON WILLEBRAND DISEASE, TYPE III. Identifiers: Orphanet 166096, MedGen C1264041, MONDO:0010191, OMIM 277480.
von Willebrand disease type 2 (VWD2). Also called: VON WILLEBRAND DISEASE, TYPE 2A/IIE; VON WILLEBRAND DISEASE, TYPE 2CB; VON WILLEBRAND DISEASE, TYPE II; VWD, TYPE 2. Identifiers: Orphanet 166081, Orphanet 903, MedGen C1264040, MONDO:0013304, OMIM 613554.

Allele frequency attached by ClinVar (database versions not stated): 1000 Genomes Project 30x 0.00016; TOPMed 0.00021; gnomAD 0.00011; ExAC 0.00011; 1000 Genomes Project 0.00020.
gnomAD v4.1: 346 of 1,613,822 alleles (0.021%); highest among the groups gnomAD compares: Admixed American, 0.032%; 1 homozygote.

Submissions (4):

Dasa
Classification: Uncertain significance. Last evaluated: 2025-09-24. Review status: criteria provided, single submitter. Criteria: DASA Assertion Criteria. Collection method: clinical testing. Allele origin: germline.
Comment: NM_000552.5(VWF):c.4257T>G (p.His1419Gln) is a missense variant that results in the substitution of histidine with glutamine. This variant has been recurrently observed in individuals with VWF-related disorders (PMID: 29924855; PMID: 28971901). Also, this variant is rare in population databases. The currently available literature and clinical evidence are not sufficient to establish a definitive association between this variant and the reported condition. Therefore, this variant is classified as a variant of uncertain significance.

Quest Diagnostics Nichols Institute San Juan Capistrano
Classification: Uncertain significance. Last evaluated: 2025-06-03. Review status: criteria provided, single submitter. Criteria: Quest Diagnostics criteria. Collection method: clinical testing. Allele origin: unknown.
Comment: The VWF c.4257T>G (p.His1419Gln) variant has been reported in the published literature along with other VWF variants in individuals with Type 2M (PMID: 26988807 (2016)) and Type 2A von Willebrand disease (VWD) (PMID: 28971901 (2017)). The frequency of this variant in the general population (Genome Aggregation Database) is uninformative in the assessment of its pathogenicity. Analysis of this variant using bioinformatics tools for the prediction of the effect of amino acid changes on protein structure and function yielded conflicting predictions that this variant is benign or damaging. Based on the available information, we are unable to determine the clinical significance of this variant.

Women's Health and Genetics/Laboratory Corporation of America, LabCorp
Classification: Uncertain significance. Last evaluated: 2025-01-23. Review status: criteria provided, single submitter. Criteria: LabCorp Variant Classification Summary - May 2015. Collection method: clinical testing. Allele origin: germline.
Comment: Variant summary: VWF c.4257T>G (p.His1419Gln) results in a non-conservative amino acid change located in the von Willebrand factor, type A (IPR002035) of the encoded protein sequence. Three of five in-silico tools predict a damaging effect of the variant on protein function. The variant allele was found at a frequency of 0.00016 in 251156 control chromosomes. This frequency is not significantly higher than estimated for a pathogenic variant in VWF causing Von Willebrand Disease, allowing no conclusion about variant significance. c.4257T>G has been reported in the literature in one individual from a family affected with autosomal dominant Von Willebrand Disease type 2A, but was not found in other two siblings similarly affected (Borras_2017). All the three siblibings carried another heterozygous missense change which is more likely disease-causing (c.4960T>C p.F1654L). The variant was also reported phase-unknown along with a pathogenic missense in a patient with VWF type 2A and 2M, and was evaluated as Benign by the authors (Fidalgo_2016). These report(s) do not provide unequivocal conclusions about association of the variant with Von Willebrand Disease. To our knowledge, no experimental evidence demonstrating an impact on protein function has been reported. The following publications have been ascertained in the context of this evaluation (PMID: 28971901, 26988807, 37647632). ClinVar contains an entry for this variant (Variation ID: 2691691). Based on the evidence outlined above, the variant was classified as VUS-possibly benign.

Department of Pathology and Laboratory Medicine, Sinai Health System
Classification: Uncertain significance for von Willebrand disease type 1; von Willebrand disease type 3; von Willebrand disease type 2. Last evaluated: 2022-09-01. Review status: criteria provided, single submitter. Criteria: ACMG Guidelines, 2015. Collection method: research. Allele origin: germline.

Literature cited by the submitters: PubMed 29924855 (cited by Dasa); PubMed 28971901 (cited by 3 submitters); PubMed 26988807 (cited by Quest Diagnostics Nichols Institute San Juan Capistrano and Women's Health and Genetics/Laboratory Corporation of America, LabCorp); PubMed 37647632 (cited by Women's Health and Genetics/Laboratory Corporation of America, LabCorp).

NM_000552.5(VWF):c.4257T>G (p.His1419Gln)

Gene: VWF (von Willebrand factor; minus strand). Cytogenetic location: 12p13.31.
Variant type: single nucleotide variant.
Coding change: c.4257T>G on transcript NM_000552.5 (MANE Select); coding-DNA position 4257, T replaced by G.
Protein change: p.His1419Gln; replaces histidine 1419 with glutamine.
Molecular consequence: missense variant.
Genome position (GRCh38, 1-based): chr12:6,019,161, A>C on the plus strand (T>G on the coding strand, the complement: VWF is on the minus strand). VCF-style: chr12-6019161-A-C. GRCh37 (hg19) VCF-style: chr12-6128327-A-C.
Other names: c.4257T>G (NM_000552.4); short protein forms H1419Q.
Identifiers: ClinVar variation 2691691 (VCV002691691.7), dbSNP rs569177726, ClinGen allele CA6402565.